The following is an entry in ClinVar:

NM_005751.5(AKAP9):c.6410G>T (p.Arg2137Met)

Gene: AKAP9 (A-kinase anchoring protein 9; plus strand). Cytogenetic location: 7q21.2.
Variant type: single nucleotide variant.
Coding change: c.6410G>T on transcript NM_005751.5 (MANE Select); coding-DNA position 6410, G replaced by T.
Protein change: p.Arg2137Met; replaces arginine 2137 with methionine.
Molecular consequence: missense variant.
Genome position (GRCh38, 1-based): chr7:92,070,109, G>T. VCF-style: chr7-92070109-G-T. GRCh37 (hg19) VCF-style: chr7-91699423-G-T.
Other names: c.1055G>T, p.Arg352Met (NM_001379277.1); c.6410G>T, p.Arg2137Met (NM_147185.3); short protein forms R2137M, R352M.
Identifiers: ClinVar variation 3281986 (VCV003281986.1).
Genomic context (GRCh38, chr7:92,070,109, plus strand): 5'-ATCTGAAAGAAAAAACAGACAAATGCAGTGAGCTTTTGCTCTCTAAAGAGCAGCTTCAAA[G>T]GGATATACAAGAAAGGAATGAAGAAATAGAGAAACTGGAGTTCAGAGTAAGAGAACTGGA-3'
Protein context (NP_005742.4, residues 2127-2147): ELLLSKEQLQ[Arg2137Met]DIQERNEEIE

ClinVar aggregate classification (germline): Uncertain significance (1 of 4 stars; one submission).

Conditions:
Cardiovascular phenotype. Identifiers: MedGen CN230736.

gnomAD v4.1: 1 of 1,614,034 alleles (0.000062%); highest among the groups gnomAD compares: East Asian, 0.0022%; no homozygotes.

Submission:

Ambry Genetics
Classification: Uncertain significance for Cardiovascular phenotype. Last evaluated: 2024-05-07. Review status: criteria provided, single submitter. Criteria: Ambry Variant Classification Scheme 2023. Collection method: clinical testing. Allele origin: germline.
Comment: The p.R2137M variant (also known as c.6410G>T), located in coding exon 27 of the AKAP9 gene, results from a G to T substitution at nucleotide position 6410. The arginine at codon 2137 is replaced by methionine, an amino acid with similar properties. This amino acid position is conserved. In addition, this alteration is predicted to be tolerated by in silico analysis. Based on the available evidence, the clinical significance of this variant remains unclear.